The following is an entry in ClinVar:

ClinVar aggregate classification (germline): Benign (3 of 4 stars; one submission).

Conditions:
Breast-ovarian cancer, familial, susceptibility to, 2 (BROVCA2). Also called: BRCA2 Hereditary Breast and Ovarian Cancer. Identifiers: Orphanet 145, MedGen C2675520, MONDO:0012933, OMIM 612555. Disease mechanism: loss of function.

Allele frequency attached by ClinVar (database versions not stated): gnomAD 0.03689 and 0.04091; TOPMed 0.04223; 1000 Genomes Project 0.07368; 1000 Genomes Project 30x 0.07370.
gnomAD v4.1: 6,230 of 152,230 alleles (4.1%); highest among the groups gnomAD compares: South Asian, 11%; 217 homozygotes.

Submission:

Evidence-based Network for the Interpretation of Germline Mutant Alleles (ENIGMA)
Classification: Benign for Breast-ovarian cancer, familial 2. Last evaluated: 2015-01-12. Review status: reviewed by expert panel. Criteria: ENIGMA BRCA1/2 Classification Criteria (2015). Collection method: curation. Allele origin: germline.
Comment: Class 1 not pathogenic based on frequency >1% in an outbred sampleset. Frequency 0.1066 (Asian), 0.01423 (African), 0.03694 (European), derived from 1000 genomes (2012-04-30).

NM_000059.4(BRCA2):c.794-411A>G

Gene: BRCA2 (BRCA2 DNA repair associated; plus strand). Cytogenetic location: 13q13.1.
Variant type: single nucleotide variant.
Coding change: c.794-411A>G on transcript NM_000059.4 (MANE Select); 411 bases into the intron before coding-DNA position 794, A replaced by G.
Molecular consequence: intron variant.
Genome position (GRCh38, 1-based): chr13:32,331,861, A>G. VCF-style: chr13-32331861-A-G. GRCh37 (hg19) VCF-style: chr13-32905998-A-G.
Other names: IVS 9-411A>G.
Identifiers: ClinVar variation 209672 (VCV000209672.1), dbSNP rs11147486, ClinGen allele CA276641.